The following is an entry in ClinVar:

NM_000748.3(CHRNB2):c.862C>T (p.Pro288Ser)

Gene: CHRNB2 (cholinergic receptor nicotinic beta 2 subunit; plus strand). Cytogenetic location: 1q21.3.
Variant type: single nucleotide variant.
Coding change: c.862C>T on transcript NM_000748.3 (MANE Select); coding-DNA position 862, C replaced by T.
Protein change: p.Pro288Ser; replaces proline 288 with serine.
Molecular consequence: missense variant.
Genome position (GRCh38, 1-based): chr1:154,571,685, C>T. VCF-style: chr1-154571685-C-T. GRCh37 (hg19) VCF-style: chr1-154544161-C-T.
Other names: short protein forms P288S.
Identifiers: ClinVar variation 3908065 (VCV003908065.1).
Genomic context (GRCh38, chr1:154,571,685, plus strand): 5'-TTGTGCATCTCAGTGCTGCTGGCGCTCACGGTCTTCCTGCTGCTCATCTCCAAGATCGTG[C>T]CTCCCACCTCCCTCGACGTGCCGCTCGTCGGCAAGTACCTCATGTTCACCATGGTGCTTG-3'
Protein context (NP_000739.1, residues 278-298): VFLLLISKIV[Pro288Ser]PTSLDVPLVG

ClinVar aggregate classification (germline): Uncertain significance (1 of 4 stars; one submission).

Submission:

GeneDx
Classification: Uncertain significance. Last evaluated: 2024-12-30. Review status: criteria provided, single submitter. Criteria: GeneDx Variant Classification Process June 2021. Collection method: clinical testing. Allele origin: germline. Affected: yes.
Comment: Not observed at significant frequency in large population cohorts (gnomAD); In silico analysis supports that this missense variant has a deleterious effect on protein structure/function; Has not been previously published as pathogenic or benign to our knowledge